The following is an entry in ClinVar:

NM_012096.3(APPL1):c.313A>G (p.Thr105Ala)

Gene: APPL1 (adaptor protein, phosphotyrosine interacting with PH domain and leucine zipper 1; plus strand). Cytogenetic location: 3p14.3.
Variant type: single nucleotide variant.
Coding change: c.313A>G on transcript NM_012096.3 (MANE Select); coding-DNA position 313, A replaced by G.
Protein change: p.Thr105Ala; replaces threonine 105 with alanine.
Molecular consequence: missense variant.
Genome position (GRCh38, 1-based): chr3:57,240,492, A>G. VCF-style: chr3-57240492-A-G. GRCh37 (hg19) VCF-style: chr3-57274520-A-G.
Other names: c.313A>G (NM_012096.2); short protein forms T105A.
Identifiers: ClinVar variation 1369151 (VCV001369151.8), dbSNP rs142276532, ClinGen allele CA2463478.

ClinVar aggregate classification (germline): Uncertain significance. Review status: criteria provided, multiple submitters, no conflicts (2 of 4 stars). 2 submissions from 2 submitters: Uncertain significance (2). Last evaluated 2024-10-13.

Allele frequency attached by ClinVar (database versions not stated): gnomAD exomes 0.00004 and 0.00006; ExAC 0.00007; ESP Exome Variant Server 0.00015; 1000 Genomes Project 30x 0.00016; 1000 Genomes Project 0.00020; gnomAD 0.00024 and 0.00025; TOPMed 0.00029.
gnomAD v4.1: 106 of 1,613,870 alleles (0.0066%); highest among the groups gnomAD compares: African/African-American, 0.071%; 1 homozygote.

Submissions (3):

Labcorp Genetics (formerly Invitae), Labcorp
Classification: Uncertain significance. Last evaluated: 2024-10-13. Review status: criteria provided, single submitter. Criteria: Invitae Variant Classification Sherloc (09022015). Collection method: clinical testing. Allele origin: germline.
Comment: This sequence change replaces threonine, which is neutral and polar, with alanine, which is neutral and non-polar, at codon 105 of the APPL1 protein (p.Thr105Ala). This variant is present in population databases (rs142276532, gnomAD 0.08%), and has an allele count higher than expected for a pathogenic variant. This variant has not been reported in the literature in individuals affected with APPL1-related conditions. ClinVar contains an entry for this variant (Variation ID: 1369151). Invitae Evidence Modeling of protein sequence and biophysical properties (such as structural, functional, and spatial information, amino acid conservation, physicochemical variation, residue mobility, and thermodynamic stability) indicates that this missense variant is not expected to disrupt APPL1 protein function with a negative predictive value of 80%. In summary, the available evidence is currently insufficient to determine the role of this variant in disease. Therefore, it has been classified as a Variant of Uncertain Significance.

Ambry Genetics
Classification: Uncertain significance. Last evaluated: 2022-10-12. Review status: criteria provided, single submitter. Criteria: Ambry Variant Classification Scheme 2023. Collection method: clinical testing. Allele origin: germline.

Dr. Peter K. Rogan Lab, Western University
No classification provided (evidence only). Condition: Lung cancer. Review status: no classification provided. Collection method: in vitro. Allele origin: not applicable. Functional consequence: retained intron. Not counted in ClinVar's aggregate classification.